The following is an entry in ClinVar:

NM_001130965.3(SUN1):c.599C>T (p.Ala200Val)

Gene: SUN1 (Sad1 and UNC84 domain containing 1; plus strand). Cytogenetic location: 7p22.3.
Variant type: single nucleotide variant.
Coding change: c.599C>T on transcript NM_001130965.3 (MANE Select); coding-DNA position 599, C replaced by T.
Protein change: p.Ala200Val; replaces alanine 200 with valine.
Molecular consequence: missense variant. On other transcripts: 5 prime UTR variant (1), non-coding transcript variant (3), intron variant (1).
Genome position (GRCh38, 1-based): chr7:843,461, C>T. VCF-style: chr7-843461-C-T. GRCh37 (hg19) VCF-style: chr7-883098-C-T.
Other names: c.662C>T, p.Ala221Val (NM_001171945.2); c.599C>T, p.Ala200Val (NM_001171946.2, NM_001367633.1, NM_001367634.1 and 32 more transcripts); c.142C>T, p.Arg48Cys (NM_001367635.1); c.449C>T, p.Ala150Val (NM_001367636.1, NM_001367644.1, NM_001367645.1 and 23 more transcripts); c.32C>T, p.Ala11Val (NM_001367639.1, NM_001367708.1); c.818C>T, p.Ala273Val (NM_001367651.1); c.-163C>T (NM_001367658.1); c.626C>T, p.Ala209Val (NM_001367669.1); and 2 more; short protein forms A200V, A273V, A11V, A221V, R48C, A137V, A150V, A209V.
Identifiers: ClinVar variation 570157 (VCV000570157.9), dbSNP rs368907584, ClinGen allele CA4111610.

ClinVar aggregate classification (germline): Uncertain significance (1 of 4 stars; one submission).

Conditions:
Emery-Dreifuss muscular dystrophy (EDMD). Also called: Scapuloperoneal syndrome, X-linked (formerly); Humeroperoneal neuromuscular disease, (formerly). Identifiers: Orphanet 261, MedGen C0410189, MONDO:0016830.

Allele frequency attached by ClinVar (database versions not stated): gnomAD exomes 0.00002 and 0.00005; ExAC 0.00006; TOPMed 0.00009; gnomAD 0.00013 and 0.00015; ESP Exome Variant Server 0.00016; 1000 Genomes Project 0.00020; 1000 Genomes Project 30x 0.00031.
gnomAD v4.1: 44 of 1,614,108 alleles (0.0027%); highest among the groups gnomAD compares: African/African-American, 0.036%; no homozygotes.

Submission:

Labcorp Genetics (formerly Invitae), Labcorp
Classification: Uncertain significance for Emery-Dreifuss muscular dystrophy. Last evaluated: 2023-10-29. Review status: criteria provided, single submitter. Criteria: Invitae Variant Classification Sherloc (09022015). Collection method: clinical testing. Allele origin: germline.
Comment: This sequence change replaces alanine, which is neutral and non-polar, with valine, which is neutral and non-polar, at codon 200 of the SUN1 protein (p.Ala200Val). This variant is present in population databases (rs368907584, gnomAD 0.03%). This variant has not been reported in the literature in individuals affected with SUN1-related conditions. ClinVar contains an entry for this variant (Variation ID: 570157). An algorithm developed to predict the effect of missense changes on protein structure and function (PolyPhen-2) suggests that this variant is likely to be disruptive. In summary, the available evidence is currently insufficient to determine the role of this variant in disease. Therefore, it has been classified as a Variant of Uncertain Significance.